The following is an entry in ClinVar:

NM_000179.3(MSH6):c.997A>G (p.Thr333Ala)

Gene: MSH6 (mutS homolog 6; plus strand). Cytogenetic location: 2p16.3.
Variant type: single nucleotide variant.
Coding change: c.997A>G on transcript NM_000179.3 (MANE Select); coding-DNA position 997, A replaced by G.
Protein change: p.Thr333Ala; replaces threonine 333 with alanine.
Molecular consequence: missense variant.
Genome position (GRCh38, 1-based): chr2:47,798,980, A>G. VCF-style: chr2-47798980-A-G. GRCh37 (hg19) VCF-style: chr2-48026119-A-G.
Other names: c.607A>G, p.Thr203Ala (NM_001281492.2); c.91A>G, p.Thr31Ala (NM_001281493.2, NM_001281494.2); short protein forms T333A, T31A, T203A.
Identifiers: ClinVar variation 336441 (VCV000336441.25), dbSNP rs886056143, ClinGen allele CA10615752.

ClinVar aggregate classification (germline): Uncertain significance. Review status: criteria provided, multiple submitters, no conflicts (2 of 4 stars). 7 submissions from 7 submitters: Uncertain significance (7). Last evaluated 2025-06-13.

Conditions:
Hereditary nonpolyposis colorectal neoplasms. Identifiers: MedGen C0009405, MeSH D003123.
Endometrial carcinoma. Also called: Endometrial carcinoma, somatic. Identifiers: MedGen C0476089, MONDO:0002447, OMIM 608089, HP:0012114.
Hereditary cancer-predisposing syndrome. Also called: Hereditary Cancer Syndrome; Neoplastic Syndromes, Hereditary; Tumor predisposition; Hereditary neoplastic syndrome. Identifiers: Orphanet 140162, MedGen C0027672, MeSH D009386, MONDO:0015356.
Lynch syndrome 5 (LYNCH5). Also called: Colorectal cancer, hereditary nonpolyposis, type 5; Hereditary non-polyposis colorectal cancer, type 5. Identifiers: Orphanet 144, MedGen C1833477, MONDO:0013710, OMIM 614350. Disease mechanism: loss of function.

Allele frequency attached by ClinVar (database versions not stated): TOPMed below 0.00001; gnomAD 0.00001.
gnomAD v4.1: 1 of 1,614,106 alleles (0.000062%); highest among the groups gnomAD compares: Non-Finnish European, 0.000085%; no homozygotes.

Submissions (7):

Ambry Genetics
Classification: Uncertain significance for Hereditary cancer-predisposing syndrome. Last evaluated: 2025-06-13. Review status: criteria provided, single submitter. Criteria: Ambry Variant Classification Scheme 2023. Collection method: clinical testing. Allele origin: germline.
Comment: The p.T333A variant (also known as c.997A>G), located in coding exon 4 of the MSH6 gene, results from an A to G substitution at nucleotide position 997. The threonine at codon 333 is replaced by alanine, an amino acid with similar properties. This amino acid position is well conserved in available vertebrate species. In addition, this alteration is predicted to be tolerated by in silico analysis. Since supporting evidence is limited at this time, the clinical significance of this alteration remains unclear.

Labcorp Genetics (formerly Invitae), Labcorp
Classification: Uncertain significance for Hereditary nonpolyposis colorectal neoplasms. Last evaluated: 2025-04-27. Review status: criteria provided, single submitter. Criteria: Invitae Variant Classification Sherloc (09022015). Collection method: clinical testing. Allele origin: germline.
Comment: This sequence change replaces threonine, which is neutral and polar, with alanine, which is neutral and non-polar, at codon 333 of the MSH6 protein (p.Thr333Ala). This variant is not present in population databases (gnomAD no frequency). This variant has not been reported in the literature in individuals affected with MSH6-related conditions. ClinVar contains an entry for this variant (Variation ID: 336441). Invitae Evidence Modeling of protein sequence and biophysical properties (such as structural, functional, and spatial information, amino acid conservation, physicochemical variation, residue mobility, and thermodynamic stability) indicates that this missense variant is not expected to disrupt MSH6 protein function with a negative predictive value of 95%. In summary, the available evidence is currently insufficient to determine the role of this variant in disease. Therefore, it has been classified as a Variant of Uncertain Significance.

Color Diagnostics, LLC DBA Color Health
Classification: Uncertain significance for Hereditary cancer-predisposing syndrome. Last evaluated: 2024-03-06. Review status: criteria provided, single submitter. Criteria: ACMG Guidelines, 2015. Collection method: clinical testing. Allele origin: germline.
Comment: This missense variant replaces threonine with alanine at codon 333 of the MSH6 protein. Computational prediction suggests that this variant may not impact protein structure and function (internally defined REVEL score threshold <= 0.5, PMID: 27666373). To our knowledge, functional studies have not been reported for this variant. This variant has not been reported in individuals affected with hereditary cancer in the literature. This variant has not been identified in the general population by the Genome Aggregation Database (gnomAD). The available evidence is insufficient to determine the role of this variant in disease conclusively. Therefore, this variant is classified as a Variant of Uncertain Significance.

Baylor Genetics
Classification: Uncertain significance for Endometrial carcinoma. Last evaluated: 2023-11-15. Review status: criteria provided, single submitter. Criteria: ACMG Guidelines, 2015. Collection method: clinical testing. Allele origin: unknown.

Quest Diagnostics Nichols Institute San Juan Capistrano
Classification: Uncertain significance. Last evaluated: 2023-01-31. Review status: criteria provided, single submitter. Criteria: Quest Diagnostics criteria. Collection method: clinical testing. Allele origin: unknown.
Comment: The variant has not been reported in the published literature. The frequency of this variant in the general population, 0.0000066 (1/152226 chromosomes), is uninformative in assessment of its pathogenicity. Analysis of this variant using bioinformatics tools for the prediction of the effect of amino acid changes on protein structure and function yielded predictions that this variant is benign. Based on the available information, we are unable to determine the clinical significance of this variant.

Women's Health and Genetics/Laboratory Corporation of America, LabCorp
Classification: Uncertain significance. Last evaluated: 2022-12-18. Review status: criteria provided, single submitter. Criteria: LabCorp Variant Classification Summary - May 2015. Collection method: clinical testing. Allele origin: germline.

Illumina Laboratory Services, Illumina
Classification: Uncertain significance for Lynch syndrome 5. Last evaluated: 2018-01-13. Review status: criteria provided, single submitter. Criteria: ICSL Variant Classification Criteria 13 December 2019. Collection method: clinical testing. Allele origin: germline.